The following is an entry in ClinVar:

ClinVar aggregate classification (germline): Uncertain significance. Review status: criteria provided, multiple submitters, no conflicts (2 of 4 stars). 3 submissions from 3 submitters: Uncertain significance (3). Last evaluated 2026-06-15.

Conditions:
COL9A2-related disorder. Also called: COL9A2-related condition.
Inborn genetic diseases. Identifiers: MedGen C0950123, MeSH D030342.

Allele frequency attached by ClinVar (database versions not stated): ExAC 0.00002; gnomAD 0.00002; gnomAD exomes 0.00002; TOPMed 0.00002.
gnomAD v4.1: 32 of 1,613,904 alleles (0.002%); highest among the groups gnomAD compares: East Asian, 0.0089%; no homozygotes.

Submissions (3):

PreventionGenetics, part of Exact Sciences
Classification: Uncertain significance for COL9A2-related condition. Last evaluated: 2026-06-15. Review status: criteria provided, single submitter. Criteria: ACMG Guidelines, 2015. Collection method: clinical testing. Allele origin: germline.
Comment: The COL9A2 c.815C>T variant is predicted to result in the amino acid substitution p.Pro272Leu. To our knowledge, this variant has not been reported in the literature. This variant is reported in 0.0098% of alleles in individuals of South Asian descent in gnomAD. At this time, the clinical significance of this variant is uncertain due to the absence of conclusive functional and genetic evidence.

Labcorp Genetics (formerly Invitae), Labcorp
Classification: Uncertain significance. Last evaluated: 2025-12-31. Review status: criteria provided, single submitter. Criteria: Invitae Variant Classification Sherloc (09022015). Collection method: clinical testing. Allele origin: germline.
Comment: This sequence change replaces proline, which is neutral and non-polar, with leucine, which is neutral and non-polar, at codon 272 of the COL9A2 protein (p.Pro272Leu). This variant is present in population databases (rs760992606, gnomAD 0.01%). This variant has not been reported in the literature in individuals affected with COL9A2-related conditions. ClinVar contains an entry for this variant (Variation ID: 2957356). Invitae Evidence Modeling of protein sequence and biophysical properties (such as structural, functional, and spatial information, amino acid conservation, physicochemical variation, residue mobility, and thermodynamic stability) indicates that this missense variant is not expected to disrupt COL9A2 protein function with a negative predictive value of 95%. In summary, the available evidence is currently insufficient to determine the role of this variant in disease. Therefore, it has been classified as a Variant of Uncertain Significance.

Ambry Genetics
Classification: Uncertain significance for Inborn genetic diseases. Last evaluated: 2025-06-07. Review status: criteria provided, single submitter. Criteria: Ambry Variant Classification Scheme 2023. Collection method: clinical testing. Allele origin: germline.

NM_001852.4(COL9A2):c.815C>T (p.Pro272Leu)

Gene: COL9A2 (collagen type IX alpha 2 chain; minus strand). Cytogenetic location: 1p34.2.
Variant type: single nucleotide variant.
Coding change: c.815C>T on transcript NM_001852.4 (MANE Select); coding-DNA position 815, C replaced by T.
Protein change: p.Pro272Leu; replaces proline 272 with leucine.
Molecular consequence: missense variant.
Genome position (GRCh38, 1-based): chr1:40,309,969, G>A on the plus strand (C>T on the coding strand, the complement: COL9A2 is on the minus strand). VCF-style: chr1-40309969-G-A. GRCh37 (hg19) VCF-style: chr1-40775641-G-A.
Other names: c.815C>T (NM_001852.3); short protein forms P272L.
Identifiers: ClinVar variation 2957356 (VCV002957356.5), dbSNP rs760992606, ClinGen allele CA791731.